The following is an entry in ClinVar:

NM_001256470.2(PLEKHA5):c.3406C>G (p.Pro1136Ala)

Gene: PLEKHA5 (pleckstrin homology domain containing A5; plus strand). Cytogenetic location: 12p12.3.
Variant type: single nucleotide variant.
Coding change: c.3406C>G on transcript NM_001256470.2 (MANE Select); coding-DNA position 3406, C replaced by G.
Protein change: p.Pro1136Ala; replaces proline 1136 with alanine.
Molecular consequence: missense variant. On other transcripts: non-coding transcript variant (6).
Genome position (GRCh38, 1-based): chr12:19,359,469, C>G. VCF-style: chr12-19359469-C-G. GRCh37 (hg19) VCF-style: chr12-19512403-C-G.
Other names: c.2857C>G, p.Pro953Ala (NM_001385942.1); c.2908C>G, p.Pro970Ala (NM_001385943.1, NM_019012.6); c.2839C>G, p.Pro947Ala (NM_001385944.1); c.2827C>G, p.Pro943Ala (NM_001385945.1); c.2824C>G, p.Pro942Ala (NM_001385946.1); c.2875C>G, p.Pro959Ala (NM_001385947.1, NM_001385941.1); c.2809C>G, p.Pro937Ala (NM_001385948.1); c.2806C>G, p.Pro936Ala (NM_001385949.1); and 30 more; short protein forms P1009A, P1010A, P1015A, P1028A, P1033A, P1061A, P1067A, P1073A.
Identifiers: ClinVar variation 3046007 (VCV003046007.3), dbSNP rs559796154, ClinGen allele CA6472850.

ClinVar aggregate classification (germline): Uncertain significance. Review status: criteria provided, single submitter (1 of 4 stars). 2 submissions from 2 submitters: Uncertain significance (1). 1 of the submissions does not count toward it. Last evaluated 2025-03-03.

Conditions:
PLEKHA5-related disorder. Also called: PLEKHA5-related condition.

Allele frequency attached by ClinVar (database versions not stated): 1000 Genomes Project 30x 0.00109; TOPMed 0.00011; 1000 Genomes Project 0.00080; gnomAD exomes 0.00030; ExAC 0.00045; gnomAD 0.00017.
gnomAD v4.1: 473 of 1,613,292 alleles (0.029%); highest among the groups gnomAD compares: Middle Eastern, 0.41%; 4 homozygotes.

Submissions (2):

Ambry Genetics
Classification: Uncertain significance. Last evaluated: 2025-03-03. Review status: criteria provided, single submitter. Criteria: Ambry Variant Classification Scheme 2023. Collection method: clinical testing. Allele origin: germline.

PreventionGenetics, part of Exact Sciences
Classification: Likely benign for PLEKHA5-related condition. Last evaluated: 2022-11-30. Review status: no assertion criteria provided. Collection method: clinical testing. Allele origin: germline. Not counted in ClinVar's aggregate classification.
Comment: This variant is classified as likely benign based on ACMG/AMP sequence variant interpretation guidelines (Richards et al. 2015 PMID: 25741868, with internal and published modifications).